The following is an entry in ClinVar:

NM_032790.4(ORAI1):c.91_93CGC[6] (p.Arg33_Ser34insArgArgArg)

Genes: ORAI1 (ORAI calcium release-activated calcium modulator 1; plus strand), LOC130008987 (ATAC-STARR-seq lymphoblastoid silent region 4981; plus strand). Cytogenetic location: 12q24.31.
Variant type: Microsatellite.
Coding change: c.91_93CGC[6] on transcript NM_032790.4 (MANE Select).
Protein change: p.Arg33_Ser34insArgArgArg.
Molecular consequence: inframe insertion (on NM_032790.3).
Genome position: GRCh38 VCF-style: chr12-121626830-A-AGCCGCCGCC. GRCh37 (hg19) VCF-style: chr12-122064735-A-AGCCGCCGCC.
Other names: c.91_99dup (NM_032790.3); c.91_99dup9 (NM_032790.3).
Identifiers: ClinVar variation 962795 (VCV000962795.10), dbSNP rs782013212, ClinGen allele CA482166966.

ClinVar aggregate classification (germline): Conflicting classifications of pathogenicity. Review status: criteria provided, conflicting classifications (1 of 4 stars). 3 submissions from 3 submitters: Uncertain significance (2); Likely benign (1). Last evaluated 2026-04-28.

Conditions:
Myopathy, tubular aggregate, 2 (TAM2). Identifiers: MedGen C4014557, MONDO:0014383, OMIM 615883.
Combined immunodeficiency due to ORAI1 deficiency. Also called: IMMUNODEFICIENCY 9. Identifiers: Orphanet 169090, Orphanet 317428, MedGen C2748568, MONDO:0013007, OMIM 612782.
ORAI1-related disorder. Also called: ORAI1-related condition.

Submissions (3):

Centre for Medical Genetics,  Mumbai
Classification: Likely benign for Combined immunodeficiency due to ORAI1 deficiency. Last evaluated: 2026-04-28. Review status: criteria provided, single submitter. Criteria: ACMG Guidelines, 2015. Collection method: provider interpretation. Allele origin: germline. Inheritance: Autosomal recessive inheritance. Affected: no. Observed: 1 variant allele, 1 homozygote.
Comment: The variant satisfies PM2 criteria - extremely low frequency in gnomAD population databases. The variant satisfies PM4 criteria - protein length changes resulting from in-frame deletions/insertions in a non-repeat region or a stop-loss variant. However, the variant satisfies BS2 criteria - present in homozygous state in an individual that clinically does not have immunodeficiency.

Labcorp Genetics (formerly Invitae), Labcorp
Classification: Uncertain significance for Myopathy, tubular aggregate, 2; Combined immunodeficiency due to ORAI1 deficiency. Last evaluated: 2026-01-13. Review status: criteria provided, single submitter. Criteria: Invitae Variant Classification Sherloc (09022015). Collection method: clinical testing. Allele origin: germline.
Comment: This variant, c.91_99dup, results in the insertion of 3 amino acid(s) of the ORAI1 protein (p.Arg31_Arg33dup), but otherwise preserves the integrity of the reading frame. This variant is present in population databases (no rsID available, gnomAD 0.01%). This variant has not been reported in the literature in individuals affected with ORAI1-related conditions. ClinVar contains an entry for this variant (Variation ID: 962795). Experimental studies and prediction algorithms are not available or were not evaluated, and the functional significance of this variant is currently unknown. In summary, the available evidence is currently insufficient to determine the role of this variant in disease. Therefore, it has been classified as a Variant of Uncertain Significance.

PreventionGenetics, part of Exact Sciences
Classification: Uncertain significance for ORAI1-related condition. Last evaluated: 2023-06-02. Review status: criteria provided, single submitter. Criteria: ACMG Guidelines, 2015. Collection method: clinical testing. Allele origin: germline.
Comment: The ORAI1 c.91_99dup9 variant is predicted to result in an in-frame duplication (p.Arg31_Arg33dup). To our knowledge, this variant has not been reported in the literature. This variant is reported in 0.011% of alleles in individuals of African descent in gnomAD. At this time, the clinical significance of this variant is uncertain due to the absence of conclusive functional and genetic evidence.

Literature cited by the submitters: PubMed 16582901 (cited by Centre for Medical Genetics,  Mumbai).